The following is an entry in ClinVar:

ClinVar aggregate classification (germline): Uncertain significance (1 of 4 stars; one submission).

Submission:

GeneDx
Classification: Uncertain significance. Last evaluated: 2024-09-30. Review status: criteria provided, single submitter. Criteria: GeneDx Variant Classification Process June 2021. Collection method: clinical testing. Allele origin: germline. Affected: yes.
Comment: Not observed at significant frequency in large population cohorts (gnomAD); In silico analysis indicates that this missense variant does not alter protein structure/function; Has not been previously published as pathogenic or benign to our knowledge

NM_005334.3(HCFC1):c.3305A>C (p.His1102Pro)

Gene: HCFC1 (host cell factor C1; minus strand). Cytogenetic location: Xq28.
Variant type: single nucleotide variant.
Coding change: c.3305A>C on transcript NM_005334.3 (MANE Select); coding-DNA position 3305, A replaced by C.
Protein change: p.His1102Pro; replaces histidine 1102 with proline.
Molecular consequence: missense variant.
Genome position (GRCh38, 1-based): chrX:153,955,094, T>G on the plus strand (A>C on the coding strand, the complement: HCFC1 is on the minus strand). VCF-style: chrX-153955094-T-G. GRCh37 (hg19) VCF-style: chrX-153220545-T-G.
Other names: c.3305A>C, p.His1102Pro (NM_001410705.1); short protein forms H1102P.
Identifiers: ClinVar variation 3774963 (VCV003774963.1).
Genomic context (GRCh38, chrX:153,955,094, plus strand): 5'-GTAGTGGCAGTGTTGGTGGTGCCCGTCTCGTGGGTCTCGCAGGGTGGGTTTGAGCAGCCA[T>G]GCTGCCCGGCCATGTTGGAGGTGGCGGTGGTGGCGGTGTTGGTGGTGCCCGTCTCGTGGG-3'
Protein context (NP_005325.2, residues 1092-1112): TTATSNMAGQ[His1102Pro]GCSNPPCETH